The following is an entry in ClinVar:

NM_002432.3(MNDA):c.833T>C (p.Met278Thr)

Gene: MNDA (myeloid cell nuclear differentiation antigen; plus strand). Cytogenetic location: 1q23.1.
Variant type: single nucleotide variant.
Coding change: c.833T>C on transcript NM_002432.3 (MANE Select); coding-DNA position 833, T replaced by C.
Protein change: p.Met278Thr; replaces methionine 278 with threonine.
Molecular consequence: missense variant.
Genome position (GRCh38, 1-based): chr1:158,845,849, T>C. VCF-style: chr1-158845849-T-C. GRCh37 (hg19) VCF-style: chr1-158815639-T-C.
Other names: short protein forms M278T.
Identifiers: ClinVar variation 1762993 (VCV001762993.2), dbSNP rs1186394390, ClinGen allele CA343041953.

ClinVar aggregate classification (germline): Uncertain significance (1 of 4 stars; one submission).

Allele frequency attached by ClinVar (database versions not stated): gnomAD exomes below 0.00001; TOPMed below 0.00001.

Submission:

Ambry Genetics
Classification: Uncertain significance. Last evaluated: 2022-06-30. Review status: criteria provided, single submitter. Criteria: Ambry Variant Classification Scheme 2023. Collection method: clinical testing. Allele origin: germline.
Comment: The p.M278T variant (also known as c.833T>C), located in coding exon 4 of the MNDA gene, results from a T to C substitution at nucleotide position 833. The methionine at codon 278 is replaced by threonine, an amino acid with similar properties. This amino acid position is conserved. In addition, this alteration is predicted to be tolerated by in silico analysis. Since supporting evidence is limited at this time, the clinical significance of this alteration remains unclear.